The following is an entry in ClinVar:

NM_001267550.2(TTN):c.50095C>T (p.Gln16699Ter)

Genes: TTN-AS1 (TTN antisense RNA 1; plus strand), TTN (titin; minus strand). Cytogenetic location: 2q31.2.
Variant type: single nucleotide variant.
Coding change: c.50095C>T on transcript NM_001267550.2 (MANE Select); coding-DNA position 50095, C replaced by T.
Protein change: p.Gln16699Ter; replaces glutamine 16699 with a stop codon.
Molecular consequence: nonsense.
Genome position (GRCh38, 1-based): chr2:178,612,430, G>A on the plus strand (C>T on the coding strand, the complement: TTN is on the minus strand). VCF-style: chr2-178612430-G-A. GRCh37 (hg19) VCF-style: chr2-179477157-G-A.
Other names: p.Gln15058*; c.45172C>T, p.Gln15058Ter (NM_001256850.1); c.22900C>T, p.Gln7634Ter (NM_003319.4); c.42391C>T, p.Gln14131Ter (NM_133378.4); c.23275C>T, p.Gln7759Ter (NM_133432.3); c.23476C>T, p.Gln7826Ter (NM_133437.4); c.50095C>T (NM_001267550.1); short protein forms Q7634*, Q15058*, Q16699*, Q7826*, Q14131*, Q7759*.
Identifiers: ClinVar variation 862652 (VCV000862652.5), dbSNP rs2056504499, ClinGen allele CA349599291.

ClinVar aggregate classification (germline): Likely pathogenic. Review status: criteria provided, multiple submitters, no conflicts (2 of 4 stars). 3 submissions from 3 submitters: Likely pathogenic (3). Last evaluated 2024-06-06.

Conditions:
Dilated cardiomyopathy 1G (CMD1G). Identifiers: Orphanet 154, MedGen C1858763, MONDO:0011400, OMIM 604145.
Autosomal recessive limb-girdle muscular dystrophy type 2J (LGMDR10). Also called: MUSCULAR DYSTROPHY, LIMB-GIRDLE, AUTOSOMAL RECESSIVE 10; Limb-girdle muscular dystrophy, type 2J. Identifiers: Orphanet 140922, MedGen C1837342, MONDO:0012127, OMIM 608807.

Allele frequency attached by ClinVar (database versions not stated): gnomAD exomes below 0.00001.
gnomAD v4.1: 2 of 1,612,496 alleles (0.00012%); highest among the groups gnomAD compares: Non-Finnish European, 0.00017%; no homozygotes.

Submissions (3):

Labcorp Genetics (formerly Invitae), Labcorp
Classification: Likely pathogenic for Dilated cardiomyopathy 1G; Autosomal recessive limb-girdle muscular dystrophy type 2J. Last evaluated: 2024-06-06. Review status: criteria provided, single submitter. Criteria: Invitae Variant Classification Sherloc (09022015). Collection method: clinical testing. Allele origin: germline.
Comment: This sequence change creates a premature translational stop signal (p.Gln16699*) in the TTN gene. While this is not anticipated to result in nonsense mediated decay, it is expected to create a truncated TTN protein. This variant is not present in population databases (gnomAD no frequency). This premature translational stop signal has been observed in individual(s) with TTN-related conditions (PMID: 35177841). ClinVar contains an entry for this variant (Variation ID: 862652). This variant is located in the A band of TTN (PMID: 25589632). Truncating variants in this region are significantly overrepresented in patients affected with dilated cardiomyopathy (PMID: 25589632). Truncating variants in this region have also been reported in individuals affected with autosomal recessive centronuclear myopathy (PMID: 23975875). In summary, the currently available evidence indicates that the variant is pathogenic, but additional data are needed to prove that conclusively. Therefore, this variant has been classified as Likely Pathogenic.

Mayo Clinic Laboratories, Mayo Clinic
Classification: Likely pathogenic. Last evaluated: 2023-05-24. Review status: criteria provided, single submitter. Criteria: ACMG Guidelines, 2015. Collection method: clinical testing. Allele origin: germline. Observed: 1 variant allele.
Comment: PM2_supporting, PVS1

GeneDx
Classification: Likely pathogenic. Last evaluated: 2023-05-15. Review status: criteria provided, single submitter. Criteria: GeneDx Variant Classification Process June 2021. Collection method: clinical testing. Allele origin: germline. Affected: yes.
Comment: Nonsense variant predicted to result in protein truncation or nonsense mediated decay in a gene for which loss of function is a known mechanism of disease; Located in the A-band region of TTN in which the majority of loss of function variants have been associated with autosomal dominant titinopathies (Herman et al., 2012); Not observed at significant frequency in large population cohorts (gnomAD); Reported in a patient with heart failure in published literature; however, detailed clinical information was not provided (Jurgens et al., 2022); This variant is associated with the following publications: (PMID: 35177841, 22335739)

Literature cited by the submitters: PubMed 35177841 (cited by Labcorp Genetics (formerly Invitae), Labcorp and Mayo Clinic Laboratories, Mayo Clinic); PubMed 25589632 (cited by Labcorp Genetics (formerly Invitae), Labcorp); PubMed 23975875 (cited by Labcorp Genetics (formerly Invitae), Labcorp).